The following is an entry in ClinVar:

NM_002618.4(PEX13):c.255T>C (p.Tyr85=)

Gene: PEX13 (peroxisomal biogenesis factor 13; plus strand). Cytogenetic location: 2p15.
Variant type: single nucleotide variant.
Coding change: c.255T>C on transcript NM_002618.4 (MANE Select); coding-DNA position 255, T replaced by C.
Protein change: p.Tyr85=; no amino-acid change (tyrosine 85 retained).
Molecular consequence: synonymous variant.
Genome position (GRCh38, 1-based): chr2:61,031,581, T>C. VCF-style: chr2-61031581-T-C. GRCh37 (hg19) VCF-style: chr2-61258716-T-C.
Identifiers: ClinVar variation 3345899 (VCV003345899.1).

ClinVar aggregate classification (germline): Likely benign (0 of 4 stars; one submission).

Conditions:
PEX13-related disorder. Also called: PEX13-related disorders; PEX13-related condition.

Submission:

PreventionGenetics, part of Exact Sciences
Classification: Likely benign for PEX13-related condition. Last evaluated: 2024-08-19. Review status: no assertion criteria provided. Collection method: clinical testing. Allele origin: germline.
Comment: This variant is classified as likely benign based on ACMG/AMP sequence variant interpretation guidelines (Richards et al. 2015 PMID: 25741868, with internal and published modifications).